The following is an entry in ClinVar:

ClinVar aggregate classification (germline): Likely benign (1 of 4 stars; one submission).

Submission:

CeGaT Center for Human Genetics Tuebingen
Classification: Likely benign. Last evaluated: 2026-07-01. Review status: criteria provided, single submitter. Criteria: CeGaT Center For Human Genetics Tuebingen Variant Classification Criteria Version 2. Collection method: clinical testing. Allele origin: germline. Affected: yes. Observed: 1 variant allele.
Comment: RAI1: PM2:Supporting, BP4, BP7

NM_030665.4(RAI1):c.861G>A (p.Gln287=)

Gene: RAI1 (retinoic acid induced 1; plus strand). Cytogenetic location: 17p11.2.
Variant type: single nucleotide variant.
Coding change: c.861G>A on transcript NM_030665.4 (MANE Select); coding-DNA position 861, G replaced by A.
Protein change: p.Gln287=; no amino-acid change (glutamine 287 retained).
Molecular consequence: synonymous variant.
Genome position (GRCh38, 1-based): chr17:17,793,809, G>A. VCF-style: chr17-17793809-G-A. GRCh37 (hg19) VCF-style: chr17-17697123-G-A.
Identifiers: ClinVar variation 5040014 (VCV005040014.1).